The following is an entry in ClinVar:

NM_014336.5(AIPL1):c.746T>C (p.Val249Ala)

Gene: AIPL1 (AIP like 1 HSP90 co-chaperone; minus strand). Cytogenetic location: 17p13.2.
Variant type: single nucleotide variant.
Coding change: c.746T>C on transcript NM_014336.5 (MANE Select); coding-DNA position 746, T replaced by C.
Protein change: p.Val249Ala; replaces valine 249 with alanine.
Molecular consequence: missense variant.
Genome position (GRCh38, 1-based): chr17:6,426,653, A>G on the plus strand (T>C on the coding strand, the complement: AIPL1 is on the minus strand). VCF-style: chr17-6426653-A-G. GRCh37 (hg19) VCF-style: chr17-6329973-A-G.
Other names: c.557T>C, p.Val186Ala (NM_001033054.3); c.566T>C, p.Val189Ala (NM_001033055.3); c.710T>C, p.Val237Ala (NM_001285399.3); c.680T>C, p.Val227Ala (NM_001285400.3); c.674T>C, p.Val225Ala (NM_001285401.3); c.629T>C, p.Val210Ala (NM_001285402.2); c.722T>C, p.Val241Ala (NM_001285403.4); short protein forms V186A, V189A, V241A, V249A, V227A, V210A, V225A, V237A.
Identifiers: ClinVar variation 860042 (VCV000860042.7), dbSNP rs760491360, ClinGen allele CA8328413.

ClinVar aggregate classification (germline): Uncertain significance (1 of 4 stars; one submission).

Conditions:
Leber congenital amaurosis 4 (LCA4). Identifiers: MedGen C1858386, MONDO:0011458, OMIM 604393.

Allele frequency attached by ClinVar (database versions not stated): gnomAD below 0.00001 and 0.00001; gnomAD exomes 0.00001 and 0.00002; ExAC 0.00003; TOPMed 0.00003.

Submission:

Labcorp Genetics (formerly Invitae), Labcorp
Classification: Uncertain significance for Leber congenital amaurosis 4. Last evaluated: 2021-08-27. Review status: criteria provided, single submitter. Criteria: Invitae Variant Classification Sherloc (09022015). Collection method: clinical testing. Allele origin: germline.
Comment: This sequence change replaces valine with alanine at codon 249 of the AIPL1 protein (p.Val249Ala). The valine residue is highly conserved and there is a small physicochemical difference between valine and alanine. This variant is present in population databases (rs760491360, ExAC 0.02%). This variant has not been reported in the literature in individuals affected with AIPL1-related conditions. Algorithms developed to predict the effect of missense changes on protein structure and function (SIFT, PolyPhen-2, Align-GVGD) all suggest that this variant is likely to be tolerated. In summary, the available evidence is currently insufficient to determine the role of this variant in disease. Therefore, it has been classified as a Variant of Uncertain Significance.